The following is an entry in ClinVar:

NM_000238.4(KCNH2):c.1583G>C (p.Arg528Pro)

Gene: KCNH2 (potassium voltage-gated channel subfamily H member 2; minus strand). Cytogenetic location: 7q36.1.
Variant type: single nucleotide variant.
Coding change: c.1583G>C on transcript NM_000238.4 (MANE Select); coding-DNA position 1583, G replaced by C.
Protein change: p.Arg528Pro; replaces arginine 528 with proline.
Molecular consequence: missense variant.
Genome position (GRCh38, 1-based): chr7:150,951,810, C>G on the plus strand (G>C on the coding strand, the complement: KCNH2 is on the minus strand). VCF-style: chr7-150951810-C-G. GRCh37 (hg19) VCF-style: chr7-150648898-C-G.
Other names: c.1583G>C (LRG_288t1); c.563G>C, p.Arg188Pro (NM_001204798.2, NM_172057.3); c.1295G>C, p.Arg432Pro (NM_001406753.1, NM_001406756.1); c.1406G>C, p.Arg469Pro (NM_001406755.1); c.1283G>C, p.Arg428Pro (NM_001406757.1); c.1583G>C, p.Arg528Pro (NM_172056.3); short protein forms R188P, R528P, R428P, R432P, R469P.
Identifiers: ClinVar variation 67216 (VCV000067216.3), dbSNP rs199472914, ClinGen allele CA004856.

ClinVar aggregate classification (germline): not provided (0 of 4 stars; one submission).

Conditions:
Familial long QT syndrome (RWS). Also called: Congenital long QT syndrome; Romano-Ward syndrome; VENTRICULAR FIBRILLATION WITH PROLONGED QT INTERVAL. Identifiers: Orphanet 768, MedGen C1141890, MONDO:0019171.

Submission:

Cardiovascular Biomedical Research Unit, Royal Brompton & Harefield NHS Foundation Trust
No classification provided. Condition: Familial long QT syndrome. Review status: no classification provided. Collection method: literature only. Allele origin: germline.
Comment: This variant has been reported as associated with Long QT syndrome in the following publications (PMID:16922724). This is a literature report, and does not necessarily reflect the clinical interpretation of the Imperial College / Royal Brompton Cardiovascular Genetics laboratory.

Literature cited by the submitters: PubMed 16922724; PubMed 22581653.